The following is an entry in ClinVar:

NM_002474.3(MYH11):c.2746A>G (p.Lys916Glu)

Gene: MYH11 (myosin heavy chain 11; minus strand). Cytogenetic location: 16p13.11.
Variant type: single nucleotide variant.
Coding change: c.2746A>G on transcript NM_002474.3 (MANE Select); coding-DNA position 2746, A replaced by G.
Protein change: p.Lys916Glu; replaces lysine 916 with glutamic acid.
Molecular consequence: missense variant.
Genome position (GRCh38, 1-based): chr16:15,741,576, T>C on the plus strand (A>G on the coding strand, the complement: MYH11 is on the minus strand). VCF-style: chr16-15741576-T-C. GRCh37 (hg19) VCF-style: chr16-15835433-T-C.
Other names: c.2767A>G, p.Lys923Glu (NM_001040113.2, NM_001040114.2); c.2746A>G, p.Lys916Glu (NM_022844.3); short protein forms K923E, K916E.
Identifiers: ClinVar variation 924521 (VCV000924521.5), dbSNP rs2041273210, ClinGen allele CA394865360.

ClinVar aggregate classification (germline): Uncertain significance (1 of 4 stars; one submission).

Conditions:
Familial thoracic aortic aneurysm and aortic dissection (TAAD). Also called: Thoracic aortic aneurysms and dissections. Identifiers: Orphanet 91387, MedGen C4707243, MONDO:0019625.

Submission:

Color Diagnostics, LLC DBA Color Health
Classification: Uncertain significance for Familial thoracic aortic aneurysm and aortic dissection. Last evaluated: 2023-12-05. Review status: criteria provided, single submitter. Criteria: ACMG Guidelines, 2015. Collection method: clinical testing. Allele origin: germline.
Comment: This missense variant replaces lysine with glutamic acid at codon 923 of the MYH11 protein. Computational prediction tools and conservation analyses suggest that this variant may have deleterious impact on the protein function. Computational splicing tools suggest that this variant may not impact RNA splicing. To our knowledge, functional assays have not been performed for this variant nor has this variant been reported in individuals affected with cardiovascular disorders in the literature. This variant has not been identified in the general population by the Genome Aggregation Database (gnomAD). Available evidence is insufficient to determine the role of this variant in disease conclusively. Therefore, this variant is classified as a Variant of Uncertain Significance.